The following is an entry in ClinVar:

ClinVar aggregate classification (germline): Uncertain significance (1 of 4 stars; one submission).

Conditions:
Primary ciliary dyskinesia. Also called: Ciliary dyskinesia. Identifiers: Orphanet 244, MedGen C0008780, MONDO:0016575, HP:0012265.

gnomAD v4.1: 1 of 1,613,554 alleles (0.000062%); highest among the groups gnomAD compares: Non-Finnish European, 0.000085%; no homozygotes.

Submission:

Labcorp Genetics (formerly Invitae), Labcorp
Classification: Uncertain significance for Primary ciliary dyskinesia. Last evaluated: 2024-08-08. Review status: criteria provided, single submitter. Criteria: Invitae Variant Classification Sherloc (09022015). Collection method: clinical testing. Allele origin: germline.
Comment: This sequence change replaces arginine, which is basic and polar, with leucine, which is neutral and non-polar, at codon 2946 of the DNAH5 protein (p.Arg2946Leu). This variant is not present in population databases (gnomAD no frequency). This variant has not been reported in the literature in individuals affected with DNAH5-related conditions. Advanced modeling of protein sequence and biophysical properties (such as structural, functional, and spatial information, amino acid conservation, physicochemical variation, residue mobility, and thermodynamic stability) performed at Invitae indicates that this missense variant is not expected to disrupt DNAH5 protein function with a negative predictive value of 95%. Algorithms developed to predict the effect of sequence changes on RNA splicing suggest that this variant may disrupt the consensus splice site. In summary, the available evidence is currently insufficient to determine the role of this variant in disease. Therefore, it has been classified as a Variant of Uncertain Significance.

NM_001369.3(DNAH5):c.8837G>T (p.Arg2946Leu)

Gene: DNAH5 (dynein axonemal heavy chain 5; minus strand). Cytogenetic location: 5p15.2.
Variant type: single nucleotide variant.
Coding change: c.8837G>T on transcript NM_001369.3 (MANE Select); coding-DNA position 8837, G replaced by T.
Protein change: p.Arg2946Leu; replaces arginine 2946 with leucine.
Molecular consequence: missense variant.
Genome position (GRCh38, 1-based): chr5:13,780,943, C>A on the plus strand (G>T on the coding strand, the complement: DNAH5 is on the minus strand). VCF-style: chr5-13780943-C-A. GRCh37 (hg19) VCF-style: chr5-13781052-C-A.
Other names: short protein forms R2946L.
Identifiers: ClinVar variation 3637053 (VCV003637053.2).